The following is an entry in ClinVar:

NM_198578.4(LRRK2):c.2813C>G (p.Pro938Arg)

Gene: LRRK2 (leucine rich repeat kinase 2; plus strand). Cytogenetic location: 12q12.
Variant type: single nucleotide variant.
Coding change: c.2813C>G on transcript NM_198578.4 (MANE Select); coding-DNA position 2813, C replaced by G.
Protein change: p.Pro938Arg; replaces proline 938 with arginine.
Molecular consequence: missense variant.
Genome position (GRCh38, 1-based): chr12:40,294,849, C>G. VCF-style: chr12-40294849-C-G. GRCh37 (hg19) VCF-style: chr12-40688651-C-G.
Other names: short protein forms P938R.
Identifiers: ClinVar variation 3540476 (VCV003540476.1).

ClinVar aggregate classification (germline): Uncertain significance (1 of 4 stars; one submission).

Conditions:
Inborn genetic diseases. Identifiers: MedGen C0950123, MeSH D030342.

gnomAD v4.1: 1 of 1,521,354 alleles (0.000066%); highest among the groups gnomAD compares: Admixed American, 0.0017%; no homozygotes.

Submission:

Ambry Genetics
Classification: Uncertain significance for Inborn genetic diseases. Last evaluated: 2024-09-18. Review status: criteria provided, single submitter. Criteria: Ambry Variant Classification Scheme 2023. Collection method: clinical testing. Allele origin: germline.
Comment: The p.P938R variant (also known as c.2813C>G), located in coding exon 22 of the LRRK2 gene, results from a C to G substitution at nucleotide position 2813. The proline at codon 938 is replaced by arginine, an amino acid with dissimilar properties. This amino acid position is conserved. In addition, the in silico prediction for this alteration is inconclusive. Based on the available evidence, the clinical significance of this variant remains unclear.